The following is an entry in ClinVar:

ClinVar aggregate classification (germline): Uncertain significance. Review status: criteria provided, multiple submitters, no conflicts (2 of 4 stars). 2 submissions from 2 submitters: Uncertain significance (2). Last evaluated 2025-09-09.

Conditions:
Idiopathic Pulmonary Fibrosis. Also called: Idiopathic fibrosing alveolitis, chronic form; idiopathic fibrosing alveolitis. Identifiers: Orphanet 2032, MedGen C1800706, MeSH D054990, MONDO:0800504.
Dyskeratosis congenita, autosomal dominant 2. Identifiers: MedGen C3151443, MONDO:0013521, OMIM 613989.
Dyskeratosis congenita. Identifiers: Orphanet 1775, MedGen C0265965, MONDO:0015780.

Allele frequency attached by ClinVar (database versions not stated): gnomAD exomes below 0.00001; gnomAD 0.00001; 1000 Genomes Project 30x 0.00016; 1000 Genomes Project 0.00020.
gnomAD v4.1: 6 of 1,550,602 alleles (0.00039%); highest among the groups gnomAD compares: East Asian, 0.0024%; no homozygotes.

Submissions (2):

Ambry Genetics
Classification: Uncertain significance for Dyskeratosis congenita. Last evaluated: 2025-09-09. Review status: criteria provided, single submitter. Criteria: Ambry Variant Classification Scheme 2023. Collection method: clinical testing. Allele origin: germline.
Comment: The p.R358Q variant (also known as c.1073G>A), located in coding exon 2 of the TERT gene, results from a G to A substitution at nucleotide position 1073. The arginine at codon 358 is replaced by glutamine, an amino acid with highly similar properties. This amino acid position is not well conserved in available vertebrate species. In addition, the in silico prediction for this alteration is inconclusive. Based on the available evidence, the clinical significance of this variant remains unclear.

Labcorp Genetics (formerly Invitae), Labcorp
Classification: Uncertain significance for Dyskeratosis congenita, autosomal dominant 2; Idiopathic Pulmonary Fibrosis. Last evaluated: 2023-10-19. Review status: criteria provided, single submitter. Criteria: Invitae Variant Classification Sherloc (09022015). Collection method: clinical testing. Allele origin: germline.
Comment: This sequence change replaces arginine, which is basic and polar, with glutamine, which is neutral and polar, at codon 358 of the TERT protein (p.Arg358Gln). This variant is not present in population databases (gnomAD no frequency). This variant has not been reported in the literature in individuals affected with TERT-related conditions. ClinVar contains an entry for this variant (Variation ID: 947887). Algorithms developed to predict the effect of missense changes on protein structure and function output the following: SIFT: "Not Available"; PolyPhen-2: "Benign"; Align-GVGD: "Not Available". The glutamine amino acid residue is found in multiple mammalian species, which suggests that this missense change does not adversely affect protein function. In summary, the available evidence is currently insufficient to determine the role of this variant in disease. Therefore, it has been classified as a Variant of Uncertain Significance.

NM_198253.3(TERT):c.1073G>A (p.Arg358Gln)

Gene: TERT (telomerase reverse transcriptase; minus strand). Cytogenetic location: 5p15.33.
Variant type: single nucleotide variant.
Coding change: c.1073G>A on transcript NM_198253.3 (MANE Select); coding-DNA position 1073, G replaced by A.
Protein change: p.Arg358Gln; replaces arginine 358 with glutamine.
Molecular consequence: missense variant. On other transcripts: non-coding transcript variant (2).
Genome position (GRCh38, 1-based): chr5:1,293,813, C>T on the plus strand (G>A on the coding strand, the complement: TERT is on the minus strand). VCF-style: chr5-1293813-C-T. GRCh37 (hg19) VCF-style: chr5-1293928-C-T.
Other names: c.1073G>A, p.Arg358Gln (NM_001193376.3); short protein forms R358Q.
Identifiers: ClinVar variation 947887 (VCV000947887.9), dbSNP rs200191524, ClinGen allele CA112914738.